The following is an entry in ClinVar:

ClinVar aggregate classification (germline): Uncertain significance (1 of 4 stars; one submission).

gnomAD v4.1: 1 of 1,614,260 alleles (0.000062%); highest among the groups gnomAD compares: South Asian, 0.0011%; no homozygotes.

Submission:

GeneDx
Classification: Uncertain significance. Last evaluated: 2025-09-11. Review status: criteria provided, single submitter. Criteria: GeneDx Variant Classification Process June 2021. Collection method: clinical testing. Allele origin: germline. Affected: yes.
Comment: Not observed at significant frequency in large population cohorts (gnomAD); In silico analysis suggests that this variant does not alter splicing; Has not been previously published as pathogenic or benign to our knowledge

NM_012064.4(MIP):c.525+5G>A

Gene: MIP (major intrinsic protein of lens fiber; minus strand). Cytogenetic location: 12q13.3.
Variant type: single nucleotide variant.
Coding change: c.525+5G>A on transcript NM_012064.4 (MANE Select); 5 bases into the intron after coding-DNA position 525, G replaced by A.
Molecular consequence: intron variant.
Genome position (GRCh38, 1-based): chr12:56,453,586, C>T on the plus strand (G>A on the coding strand, the complement: MIP is on the minus strand). VCF-style: chr12-56453586-C-T. GRCh37 (hg19) VCF-style: chr12-56847370-C-T.
Identifiers: ClinVar variation 4813388 (VCV004813388.1).